The following is an entry in ClinVar:

NM_006225.4(PLCD1):c.939C>G (p.Thr313=)

Gene: PLCD1 (phospholipase C delta 1; minus strand). Cytogenetic location: 3p22.2.
Variant type: single nucleotide variant.
Coding change: c.939C>G on transcript NM_006225.4 (MANE Select); coding-DNA position 939, C replaced by G.
Protein change: p.Thr313=; no amino-acid change (threonine 313 retained).
Molecular consequence: synonymous variant. On other transcripts: non-coding transcript variant (1).
Genome position (GRCh38, 1-based): chr3:38,010,414, G>C on the plus strand (C>G on the coding strand, the complement: PLCD1 is on the minus strand). VCF-style: chr3-38010414-G-C. GRCh37 (hg19) VCF-style: chr3-38051905-G-C.
Other names: c.1002C>G, p.Thr334= (NM_001130964.2).
Identifiers: ClinVar variation 3026759 (VCV003026759.22), dbSNP rs1431946593, ClinGen allele CA433329269.

ClinVar aggregate classification (germline): Likely benign (1 of 4 stars; one submission).

Allele frequency attached by ClinVar (database versions not stated): gnomAD 0.00001; TOPMed 0.00001.
gnomAD v4.1: 4 of 1,614,114 alleles (0.00025%); highest among the groups gnomAD compares: Non-Finnish European, 0.00025%; no homozygotes.

Submission:

CeGaT Center for Human Genetics Tuebingen
Classification: Likely benign. Last evaluated: 2024-01-01. Review status: criteria provided, single submitter. Criteria: CeGaT Center For Human Genetics Tuebingen Variant Classification Criteria Version 2. Collection method: clinical testing. Allele origin: germline. Affected: yes. Observed: 1 variant allele.
Comment: PLCD1: BP4, BP7